The following is an entry in ClinVar:

NM_000059.4(BRCA2):c.2385A>C (p.Ser795=)

Gene: BRCA2 (BRCA2 DNA repair associated; plus strand). Cytogenetic location: 13q13.1.
Variant type: single nucleotide variant.
Coding change: c.2385A>C on transcript NM_000059.4 (MANE Select); coding-DNA position 2385, A replaced by C.
Protein change: p.Ser795=; no amino-acid change (serine 795 retained).
Molecular consequence: synonymous variant.
Genome position (GRCh38, 1-based): chr13:32,336,740, A>C. VCF-style: chr13-32336740-A-C. GRCh37 (hg19) VCF-style: chr13-32910877-A-C.
Identifiers: ClinVar variation 511082 (VCV000511082.12), dbSNP rs1555282649, ClinGen allele CA483436912.

ClinVar aggregate classification (germline): Likely benign. Review status: criteria provided, multiple submitters, no conflicts (2 of 4 stars). 3 submissions from 3 submitters: Likely benign (3). Last evaluated 2025-01-17.

Conditions:
Hereditary breast ovarian cancer syndrome. Also called: Hereditary breast and ovarian cancer syndrome; Breast and ovarian cancer; BRCA1- and BRCA2-Associated Hereditary Breast and Ovarian Cancer; Hereditary breast and ovarian cancer syndrome (HBOC); Hereditary breast and/or ovarian cancer syndrome; Hereditary breast and ovarian cancer. Identifiers: Orphanet 145, MedGen C0677776, MeSH D061325, MONDO:0003582. Disease mechanism: loss of function.
Hereditary cancer-predisposing syndrome. Also called: Hereditary neoplastic syndrome; Hereditary Cancer Syndrome; Neoplastic Syndromes, Hereditary; Tumor predisposition. Identifiers: Orphanet 140162, MedGen C0027672, MeSH D009386, MONDO:0015356.

Allele frequency attached by ClinVar (database versions not stated): gnomAD exomes below 0.00001.
gnomAD v4.1: 4 of 1,613,964 alleles (0.00025%); highest among the groups gnomAD compares: Non-Finnish European, 0.00025%; no homozygotes.

Submissions (3):

Ambry Genetics
Classification: Likely benign for Hereditary cancer-predisposing syndrome. Last evaluated: 2025-01-17. Review status: criteria provided, single submitter. Criteria: Ambry Variant Classification Scheme 2023. Collection method: clinical testing. Allele origin: germline.

Labcorp Genetics (formerly Invitae), Labcorp
Classification: Likely benign for Hereditary breast ovarian cancer syndrome. Last evaluated: 2018-03-18. Review status: criteria provided, single submitter. Criteria: Invitae Variant Classification Sherloc (09022015). Collection method: clinical testing. Allele origin: germline.

GeneDx
Classification: Likely benign. Last evaluated: 2017-07-25. Review status: criteria provided, single submitter. Criteria: GeneDx Variant Classification (06012015). Collection method: clinical testing. Allele origin: germline. Affected: yes.
Comment: This variant is considered likely benign or benign based on one or more of the following criteria: it is a conservative change, it occurs at a poorly conserved position in the protein, it is predicted to be benign by multiple in silico algorithms, and/or has population frequency not consistent with disease.